The following is an entry in ClinVar:

ClinVar aggregate classification (germline): Likely benign. Review status: criteria provided, multiple submitters, no conflicts (2 of 4 stars). 3 submissions from 3 submitters: Likely benign (3). Last evaluated 2025-11-19.

Conditions:
Combined immunodeficiency due to DOCK8 deficiency (HIES2). Also called: HYPER-IgE RECURRENT INFECTION SYNDROME 2, AUTOSOMAL RECESSIVE; HYPER-IgE SYNDROME 2, AUTOSOMAL RECESSIVE, WITH RECURRENT INFECTIONS; HIES autosomal recessive; DOCK8 Deficiency; Hyper-IgE recurrent infection syndrome, autosomal recessive. Identifiers: Orphanet 217390, MedGen C4722305, MONDO:0009478, OMIM 243700.

Allele frequency attached by ClinVar (database versions not stated): gnomAD 0.00001; gnomAD exomes 0.00002; TOPMed 0.00002.
gnomAD v4.1: 33 of 1,613,070 alleles (0.002%); highest among the groups gnomAD compares: Admixed American, 0.0033%; no homozygotes.

Submissions (3):

Mayo Clinic Laboratories, Mayo Clinic
Classification: Likely benign. Last evaluated: 2025-11-19. Review status: criteria provided, single submitter. Criteria: ACMG Guidelines, 2015. Collection method: clinical testing. Allele origin: germline. Observed: 1 variant allele.
Comment: BP4, BP7, PM2_supporting

Labcorp Genetics (formerly Invitae), Labcorp
Classification: Likely benign for Combined immunodeficiency due to DOCK8 deficiency. Last evaluated: 2025-10-07. Review status: criteria provided, single submitter. Criteria: Invitae Variant Classification Sherloc (09022015). Collection method: clinical testing. Allele origin: germline.

CeGaT Center for Human Genetics Tuebingen
Classification: Likely benign. Last evaluated: 2022-10-01. Review status: criteria provided, single submitter. Criteria: CeGaT Center For Human Genetics Tuebingen Variant Classification Criteria Version 2. Collection method: clinical testing. Allele origin: germline. Affected: yes. Observed: 1 variant allele.
Comment: DOCK8: BP4, BP7

NM_203447.4(DOCK8):c.3735G>A (p.Ser1245=)

Gene: DOCK8 (dedicator of cytokinesis 8; plus strand). Cytogenetic location: 9p24.3.
Variant type: single nucleotide variant.
Coding change: c.3735G>A on transcript NM_203447.4 (MANE Select); coding-DNA position 3735, G replaced by A.
Protein change: p.Ser1245=; no amino-acid change (serine 1245 retained).
Molecular consequence: synonymous variant.
Genome position (GRCh38, 1-based): chr9:418,102, G>A. VCF-style: chr9-418102-G-A. GRCh37 (hg19) VCF-style: chr9-418102-G-A.
Other names: p.Ser1245=; c.3435G>A, p.Ser1145= (NM_001190458.2); c.3531G>A, p.Ser1177= (NM_001193536.2); c.3735G>A (NM_203447.3).
Identifiers: ClinVar variation 1138454 (VCV001138454.33), dbSNP rs753731620, ClinGen allele CA4958813.